The following is an entry in ClinVar:

ClinVar aggregate classification (germline): Benign (1 of 4 stars; one submission).

Allele frequency attached by ClinVar (database versions not stated): gnomAD exomes 0.00034; TOPMed 0.00080; gnomAD 0.00146; ExAC 0.00245; 1000 Genomes Project 0.00599.
gnomAD v4.1: 555 of 1,408,836 alleles (0.039%); highest among the groups gnomAD compares: African/African-American, 0.22%; no homozygotes.

Submission:

CeGaT Center for Human Genetics Tuebingen
Classification: Benign. Last evaluated: 2023-10-01. Review status: criteria provided, single submitter. Criteria: CeGaT Center For Human Genetics Tuebingen Variant Classification Criteria Version 2. Collection method: clinical testing. Allele origin: germline. Affected: yes. Observed: 4 variant alleles.
Comment: NF1: BS1, BS2

NM_001042492.3(NF1):c.6148-27A>T

Gene: NF1 (neurofibromin 1; plus strand). Cytogenetic location: 17q11.2.
Variant type: single nucleotide variant.
Coding change: c.6148-27A>T on transcript NM_001042492.3 (MANE Select); 27 bases into the intron before coding-DNA position 6148, A replaced by T.
Molecular consequence: intron variant.
Genome position (GRCh38, 1-based): chr17:31,336,608, A>T. VCF-style: chr17-31336608-A-T. GRCh37 (hg19) VCF-style: chr17-29663626-A-T.
Other names: c.6085-27A>T (NM_000267.4).
Identifiers: ClinVar variation 2647641 (VCV002647641.24), dbSNP rs532337091, ClinGen allele CA8487320.